The following is an entry in ClinVar:

ClinVar aggregate classification (germline): Uncertain significance (1 of 4 stars; one submission).

Submission:

Labcorp Genetics (formerly Invitae), Labcorp
Classification: Uncertain significance. Last evaluated: 2024-10-11. Review status: criteria provided, single submitter. Criteria: Invitae Variant Classification Sherloc (09022015). Collection method: clinical testing. Allele origin: germline.
Comment: This sequence change replaces valine, which is neutral and non-polar, with alanine, which is neutral and non-polar, at codon 391 of the DTHD1 protein (p.Val391Ala). This variant is not present in population databases (gnomAD no frequency). This variant has not been reported in the literature in individuals affected with DTHD1-related conditions. ClinVar contains an entry for this variant (Variation ID: 1395398). An algorithm developed to predict the effect of missense changes on protein structure and function (PolyPhen-2) suggests that this variant is likely to be tolerated. In summary, the available evidence is currently insufficient to determine the role of this variant in disease. Therefore, it has been classified as a Variant of Uncertain Significance.

NM_001170700.3(DTHD1):c.2042T>C (p.Val681Ala)

Gene: DTHD1 (death domain containing 1; plus strand). Cytogenetic location: 4p14.
Variant type: single nucleotide variant.
Coding change: c.2042T>C on transcript NM_001170700.3 (MANE Select); coding-DNA position 2042, T replaced by C.
Protein change: p.Val681Ala; replaces valine 681 with alanine.
Molecular consequence: missense variant. On other transcripts: non-coding transcript variant (2).
Genome position (GRCh38, 1-based): chr4:36,308,440, T>C. VCF-style: chr4-36308440-T-C. GRCh37 (hg19) VCF-style: chr4-36310062-T-C.
Other names: c.1172T>C, p.Val391Ala (NM_001136536.5); c.1109T>C, p.Val370Ala (NM_001378435.1); short protein forms V370A, V391A, V681A.
Identifiers: ClinVar variation 1395398 (VCV001395398.8), dbSNP rs2109500055, ClinGen allele CA356681171.